The following is an entry in ClinVar:

ClinVar aggregate classification (germline): Uncertain significance (3 of 4 stars; one submission).

Conditions:
Glanzmann thrombasthenia. Also called: PLATELET GLYCOPROTEIN IIb-IIIa DEFICIENCY; Glanzmann's thrombasthenia; BLEEDING DISORDER, PLATELET-TYPE, 2; THROMBASTHENIA OF GLANZMANN AND NAEGELI; Thrombasthenia. Identifiers: Orphanet 849, MedGen C0040015, MONDO:0100326.

Submission:

ClinGen Platelet Disorders Variant Curation Expert Panel, ClinGen
Classification: Uncertain significance for Glanzmann thrombasthenia. Last evaluated: 2024-12-17. Review status: reviewed by expert panel. Criteria: ClinGen Platelet ACMG Specifications v2-1. Collection method: curation. Allele origin: germline. Inheritance: Autosomal recessive inheritance.
Comment: The NM_000419.5(ITGA2B):c.*165T>C 3'UTR variant was identified homozygous (PM3_supporting) in at least one patient (GT75 in PMID: 25728920) who displayed mucocutaneous bleeding and impaired aggregation with all agonists except ristocetin, which is highly specific for Glanzmann thrombasthenia. Additionally, αIIbβ3 surface expression was reduced to <5%, as measured by flow cytometry (PP4_strong). This variant is absent from gnomAD v4.1 (PM2_Supporting). ACMG/AMP criteria applied, as specified by the ClinGen PD VCEP: PP4_strong, PM2_supporting, PM3_supporting. (VCEP specifications version 2.1). These criteria reach Likely Pathogenic however, to our knowledge, there is no known disease mechanism for 3'UTR variants in Glanzmann thrombasthenia. In the absence of additional cases or functional data the ClinGen PD VCEP classifies this variant as uncertain significance for autosomal recessive Glanzmann Thrombasthenia.

NM_000419.5(ITGA2B):c.*165T>C

Gene: ITGA2B (integrin subunit alpha 2b; minus strand). Cytogenetic location: 17q21.31.
Variant type: single nucleotide variant.
Coding change: c.*165T>C on transcript NM_000419.5 (MANE Select); 165 bases downstream of the stop codon, T replaced by C.
Molecular consequence: 3 prime UTR variant.
Genome position (GRCh38, 1-based): chr17:44,372,199, A>G on the plus strand (T>C on the coding strand, the complement: ITGA2B is on the minus strand). VCF-style: chr17-44372199-A-G. GRCh37 (hg19) VCF-style: chr17-42449567-A-G.
Other names: NM_000419.5:c.*165T>C.
Identifiers: ClinVar variation 1691489 (VCV001691489.3), dbSNP rs2143416246, ClinGen allele CA915940530.